The following is an entry in ClinVar:

NM_018706.7(DHTKD1):c.2137A>T (p.Ile713Leu)

Gene: DHTKD1 (dehydrogenase E1 and transketolase domain containing 1; plus strand). Cytogenetic location: 10p14.
Variant type: single nucleotide variant.
Coding change: c.2137A>T on transcript NM_018706.7 (MANE Select); coding-DNA position 2137, A replaced by T.
Protein change: p.Ile713Leu; replaces isoleucine 713 with leucine.
Molecular consequence: missense variant.
Genome position (GRCh38, 1-based): chr10:12,107,998, A>T. VCF-style: chr10-12107998-A-T. GRCh37 (hg19) VCF-style: chr10-12149997-A-T.
Other names: short protein forms I713L.
Identifiers: ClinVar variation 3700902 (VCV003700902.2).
Genomic context (GRCh38, chr10:12,107,998, plus strand): 5'-ATCGTCATCCTCCTTCCACATGGCTACGATGGGGCTGGGCCAGACCACTCATCCTGTCGA[A>T]TAGAGCGTTTCCTGCAGGTAAGGGTAACGTCTTCCGGAGTCAATGAATCATTTTCCTGCT-3'
Protein context (NP_061176.4, residues 703-723): GAGPDHSSCR[Ile713Leu]ERFLQMCDSA

ClinVar aggregate classification (germline): Uncertain significance (1 of 4 stars; one submission).

Conditions:
2-aminoadipic 2-oxoadipic aciduria (AAKAD). Also called: Aminoadipic aciduria; ALPHA-AMINOADIPIC AND ALPHA-KETOADIPIC ACIDURIA. Identifiers: Orphanet 79154, MedGen C1859817, MONDO:0008774, OMIM 204750.

Submission:

Labcorp Genetics (formerly Invitae), Labcorp
Classification: Uncertain significance for 2-aminoadipic 2-oxoadipic aciduria. Last evaluated: 2024-06-11. Review status: criteria provided, single submitter. Criteria: Invitae Variant Classification Sherloc (09022015). Collection method: clinical testing. Allele origin: germline.
Comment: This sequence change replaces isoleucine, which is neutral and non-polar, with leucine, which is neutral and non-polar, at codon 713 of the DHTKD1 protein (p.Ile713Leu). This variant is not present in population databases (gnomAD no frequency). This variant has not been reported in the literature in individuals affected with DHTKD1-related conditions. Advanced modeling of protein sequence and biophysical properties (such as structural, functional, and spatial information, amino acid conservation, physicochemical variation, residue mobility, and thermodynamic stability) performed at Invitae indicates that this missense variant is not expected to disrupt DHTKD1 protein function with a negative predictive value of 80%. In summary, the available evidence is currently insufficient to determine the role of this variant in disease. Therefore, it has been classified as a Variant of Uncertain Significance.